The following is an entry in ClinVar:

ClinVar aggregate classification (germline): Uncertain significance. Review status: criteria provided, multiple submitters, no conflicts (2 of 4 stars). 2 submissions from 2 submitters: Uncertain significance (2). Last evaluated 2025-04-06.

Conditions:
Inborn genetic diseases. Identifiers: MedGen C0950123, MeSH D030342.

Allele frequency attached by ClinVar (database versions not stated): 1000 Genomes Project 30x 0.00031; gnomAD 0.00001; 1000 Genomes Project 0.00020; TOPMed 0.00001.
gnomAD v4.1: 38 of 1,595,366 alleles (0.0024%); highest among the groups gnomAD compares: Non-Finnish European, 0.0033%; no homozygotes.

Submissions (2):

Labcorp Genetics (formerly Invitae), Labcorp
Classification: Uncertain significance. Last evaluated: 2025-04-06. Review status: criteria provided, single submitter. Criteria: Invitae Variant Classification Sherloc (09022015). Collection method: clinical testing. Allele origin: germline.
Comment: This sequence change replaces glutamine, which is neutral and polar, with glutamic acid, which is acidic and polar, at codon 663 of the CDH2 protein (p.Gln663Glu). This variant is present in population databases (rs202052912, gnomAD 0.002%). This variant has not been reported in the literature in individuals affected with CDH2-related conditions. ClinVar contains an entry for this variant (Variation ID: 2996133). An algorithm developed to predict the effect of missense changes on protein structure and function (PolyPhen-2) suggests that this variant is likely to be tolerated. In summary, the available evidence is currently insufficient to determine the role of this variant in disease. Therefore, it has been classified as a Variant of Uncertain Significance.

Ambry Genetics
Classification: Uncertain significance for Inborn genetic diseases. Last evaluated: 2024-06-22. Review status: criteria provided, single submitter. Criteria: Ambry Variant Classification Scheme 2023. Collection method: clinical testing. Allele origin: germline.
Comment: The p.Q663E variant (also known as c.1987C>G), located in coding exon 13 of the CDH2 gene, results from a C to G substitution at nucleotide position 1987. The glutamine at codon 663 is replaced by glutamic acid, an amino acid with highly similar properties. This amino acid position is conserved. In addition, the in silico prediction for this alteration is inconclusive. Based on the available evidence, the clinical significance of this variant remains unclear.

NM_001792.5(CDH2):c.1987C>G (p.Gln663Glu)

Gene: CDH2 (cadherin 2; minus strand). Cytogenetic location: 18q12.1.
Variant type: single nucleotide variant.
Coding change: c.1987C>G on transcript NM_001792.5 (MANE Select); coding-DNA position 1987, C replaced by G.
Protein change: p.Gln663Glu; replaces glutamine 663 with glutamic acid.
Molecular consequence: missense variant.
Genome position (GRCh38, 1-based): chr18:27,985,222, G>C on the plus strand (C>G on the coding strand, the complement: CDH2 is on the minus strand). VCF-style: chr18-27985222-G-C. GRCh37 (hg19) VCF-style: chr18-25565186-G-C.
Other names: c.1894C>G, p.Gln632Glu (NM_001308176.2); c.1987C>G (NM_001792.3); short protein forms Q663E, Q632E.
Identifiers: ClinVar variation 2996133 (VCV002996133.3), dbSNP rs202052912, ClinGen allele CA8923260.